The following is an entry in ClinVar:

ClinVar aggregate classification (germline): Uncertain significance. Review status: criteria provided, multiple submitters, no conflicts (2 of 4 stars). 2 submissions from 2 submitters: Uncertain significance (2). Last evaluated 2020-11-17.

Conditions:
Inborn genetic diseases. Identifiers: MedGen C0950123, MeSH D030342.
Autosomal dominant nocturnal frontal lobe epilepsy 5. Also called: KCNT1-Related Epilepsy; Epilepsy, nocturnal frontal lobe, 5; CILIARY DYSKINESIA, PRIMARY, 28, WITHOUT SITUS INVERSUS; CILIARY DYSKINESIA, PRIMARY, 28, WITH SITUS INVERSUS. Identifiers: Orphanet 98784, MedGen C3554306, MONDO:0014002, OMIM 615005.
Developmental and epileptic encephalopathy, 14 (DEE14). Also called: Early infantile epileptic encephalopathy 14. Identifiers: Orphanet 293181, MedGen C3554195, MONDO:0013989, OMIM 614959.

Allele frequency attached by ClinVar (database versions not stated): ExAC 0.00001; gnomAD 0.00001; TOPMed 0.00001; ESP Exome Variant Server 0.00008.
gnomAD v4.1: 2 of 1,611,150 alleles (0.00012%); highest among the groups gnomAD compares: Non-Finnish European, 0.000085%; no homozygotes.

Submissions (2):

Labcorp Genetics (formerly Invitae), Labcorp
Classification: Uncertain significance for Autosomal dominant nocturnal frontal lobe epilepsy 5; Developmental and epileptic encephalopathy, 14. Last evaluated: 2020-11-17. Review status: criteria provided, single submitter. Criteria: Invitae Variant Classification Sherloc (09022015). Collection method: clinical testing. Allele origin: germline.
Comment: This sequence change replaces alanine with threonine at codon 165 of the KCNT1 protein (p.Ala165Thr). The alanine residue is moderately conserved and there is a small physicochemical difference between alanine and threonine. This variant is present in population databases (rs149908455, ExAC 0.002%). This variant has not been reported in the literature in individuals with KCNT1-related conditions. Algorithms developed to predict the effect of missense changes on protein structure and function (SIFT, PolyPhen-2, Align-GVGD) all suggest that this variant is likely to be tolerated, but these predictions have not been confirmed by published functional studies and their clinical significance is uncertain. In summary, the available evidence is currently insufficient to determine the role of this variant in disease. Therefore, it has been classified as a Variant of Uncertain Significance.

Ambry Genetics
Classification: Uncertain significance for Inborn genetic diseases. Last evaluated: 2020-01-24. Review status: criteria provided, single submitter. Criteria: Ambry Variant Classification Scheme 2023. Collection method: clinical testing. Allele origin: germline.
Comment: The p.A165T variant (also known as c.493G>A), located in coding exon 6 of the KCNT1 gene, results from a G to A substitution at nucleotide position 493. The alanine at codon 165 is replaced by threonine, an amino acid with similar properties. This amino acid position is well conserved in available vertebrate species. In addition, this alteration is predicted to be tolerated by in silico analysis. Since supporting evidence is limited at this time, the clinical significance of this alteration remains unclear.

NM_020822.3(KCNT1):c.493G>A (p.Ala165Thr)

Gene: KCNT1 (potassium sodium-activated channel subfamily T member 1; plus strand). Cytogenetic location: 9q34.3.
Variant type: single nucleotide variant.
Coding change: c.493G>A on transcript NM_020822.3 (MANE Select); coding-DNA position 493, G replaced by A.
Protein change: p.Ala165Thr; replaces alanine 165 with threonine.
Molecular consequence: missense variant.
Genome position (GRCh38, 1-based): chr9:135,755,122, G>A. VCF-style: chr9-135755122-G-A. GRCh37 (hg19) VCF-style: chr9-138646968-G-A.
Other names: c.349G>A, p.Ala117Thr (NM_001272003.2); short protein forms A165T, A117T.
Identifiers: ClinVar variation 1490978 (VCV001490978.10), dbSNP rs149908455, ClinGen allele CA5326483.